The following is an entry in ClinVar:

ClinVar aggregate classification (germline): Uncertain significance (1 of 4 stars; one submission).

Submission:

CeGaT Center for Human Genetics Tuebingen
Classification: Uncertain significance. Last evaluated: 2024-03-01. Review status: criteria provided, single submitter. Criteria: CeGaT Center For Human Genetics Tuebingen Variant Classification Criteria Version 2. Collection method: clinical testing. Allele origin: germline. Affected: yes. Observed: 1 variant allele.
Comment: FTCD: PM2, BP4

NM_206965.2(FTCD):c.1255T>A (p.Tyr419Asn)

Gene: FTCD (formimidoyltransferase cyclodeaminase; minus strand). Cytogenetic location: 21q22.3.
Variant type: single nucleotide variant.
Coding change: c.1255T>A on transcript NM_206965.2 (MANE Select); coding-DNA position 1255, T replaced by A.
Protein change: p.Tyr419Asn; replaces tyrosine 419 with asparagine.
Molecular consequence: missense variant.
Genome position (GRCh38, 1-based): chr21:46,145,422, A>T on the plus strand (T>A on the coding strand, the complement: FTCD is on the minus strand). VCF-style: chr21-46145422-A-T. GRCh37 (hg19) VCF-style: chr21-47565336-A-T.
Other names: c.1255T>A, p.Tyr419Asn (NM_001320412.2, NM_006657.3); short protein forms Y419N.
Identifiers: ClinVar variation 3067790 (VCV003067790.21), dbSNP rs2517064478, ClinGen allele CA410512599.